The following is an entry in ClinVar:

NM_001999.4(FBN2):c.7453A>G (p.Ser2485Gly)

Gene: FBN2 (fibrillin 2; minus strand). Cytogenetic location: 5q23.3.
Variant type: single nucleotide variant.
Coding change: c.7453A>G on transcript NM_001999.4 (MANE Select); coding-DNA position 7453, A replaced by G.
Protein change: p.Ser2485Gly; replaces serine 2485 with glycine.
Molecular consequence: missense variant.
Genome position (GRCh38, 1-based): chr5:128,277,898, T>C on the plus strand (A>G on the coding strand, the complement: FBN2 is on the minus strand). VCF-style: chr5-128277898-T-C. GRCh37 (hg19) VCF-style: chr5-127613590-T-C.
Other names: short protein forms S2485G.
Identifiers: ClinVar variation 3234664 (VCV003234664.20), dbSNP rs1765435217, ClinGen allele CA360754278.

ClinVar aggregate classification (germline): Uncertain significance (1 of 4 stars; one submission).

Submission:

CeGaT Center for Human Genetics Tuebingen
Classification: Uncertain significance. Last evaluated: 2024-04-01. Review status: criteria provided, single submitter. Criteria: CeGaT Center For Human Genetics Tuebingen Variant Classification Criteria Version 2. Collection method: clinical testing. Allele origin: germline. Affected: yes. Observed: 1 variant allele.
Comment: FBN2: PM2, BP4